The following is an entry in ClinVar:

ClinVar aggregate classification (germline): Likely benign. Review status: criteria provided, multiple submitters, no conflicts (2 of 4 stars). 6 submissions from 6 submitters: Likely benign (4). 2 of the submissions do not count toward it. Last evaluated 2026-08-01.

Conditions:
Dyskeratosis congenita. Identifiers: Orphanet 1775, MedGen C0265965, MONDO:0015780.
Dyskeratosis congenita, autosomal recessive 5 (DKCB5). Identifiers: MedGen C3554656, MONDO:0014076, OMIM 615190.
Pulmonary fibrosis and/or bone marrow failure, Telomere-related, 3. Also called: PULMONARY FIBROSIS AND/OR BONE MARROW FAILURE SYNDROME, TELOMERE-RELATED, 3. Identifiers: Orphanet 2032, MedGen C4225346, MONDO:0014613, OMIM 616373.
Inborn genetic diseases. Identifiers: MedGen C0950123, MeSH D030342.

Allele frequency attached by ClinVar (database versions not stated): gnomAD exomes 0.00013 and 0.00016; ExAC 0.00015; gnomAD 0.00015 and 0.00019; TOPMed 0.00017; 1000 Genomes Project 0.00020; ESP Exome Variant Server 0.00023; 1000 Genomes Project 30x 0.00031.
gnomAD v4.1: 251 of 1,612,376 alleles (0.016%); highest among the groups gnomAD compares: Middle Eastern, 0.05%; no homozygotes.

Submissions (6):

CeGaT Center for Human Genetics Tuebingen
Classification: Likely benign. Last evaluated: 2026-08-01. Review status: criteria provided, single submitter. Criteria: CeGaT Center For Human Genetics Tuebingen Variant Classification Criteria Version 2. Collection method: clinical testing. Allele origin: germline. Affected: yes. Observed: 1 variant allele.
Comment: RTEL1: BP4, BP7

Labcorp Genetics (formerly Invitae), Labcorp
Classification: Likely benign for Dyskeratosis congenita, autosomal recessive 5; Pulmonary fibrosis and/or bone marrow failure, Telomere-related, 3. Last evaluated: 2025-12-11. Review status: criteria provided, single submitter. Criteria: Invitae Variant Classification Sherloc (09022015). Collection method: clinical testing. Allele origin: germline.

Blueprint Genetics
Classification: Likely benign. Last evaluated: 2024-11-15. Review status: criteria provided, single submitter. Criteria: ACMG Guidelines, 2015. Collection method: clinical testing. Allele origin: germline.

Ambry Genetics
Classification: Likely benign for Inborn genetic diseases. Last evaluated: 2023-12-14. Review status: criteria provided, single submitter. Criteria: Ambry Variant Classification Scheme 2023. Collection method: clinical testing. Allele origin: germline.

Genetic Services Laboratory, University of Chicago
Classification: Likely benign. Last evaluated: 2022-09-13. Review status: no assertion criteria provided. Collection method: clinical testing. Allele origin: germline. Affected: no. Not counted in ClinVar's aggregate classification.

Natera, Inc.
Classification: Uncertain significance for Dyskeratosis congenita. Last evaluated: 2020-02-13. Review status: no assertion criteria provided. Collection method: clinical testing. Allele origin: germline. Not counted in ClinVar's aggregate classification.

NM_001283009.2(RTEL1):c.3393G>A (p.Thr1131=)

Genes: RTEL1-TNFRSF6B (RTEL1-TNFRSF6B readthrough (NMD candidate); plus strand), RTEL1 (regulator of telomere elongation helicase 1; plus strand). Cytogenetic location: 20q13.33.
Variant type: single nucleotide variant.
Coding change: c.3393G>A on transcript NM_001283009.2 (MANE Select); coding-DNA position 3393, G replaced by A.
Protein change: p.Thr1131=; no amino-acid change (threonine 1131 retained).
Molecular consequence: synonymous variant. On other transcripts: non-coding transcript variant (1).
Genome position (GRCh38, 1-based): chr20:63,695,115, G>A. VCF-style: chr20-63695115-G-A. GRCh37 (hg19) VCF-style: chr20-62326468-G-A.
Other names: c.2724G>A, p.Thr908= (NM_001283010.1); c.3393G>A, p.Thr1131= (NM_016434.4); c.3465G>A, p.Thr1155= (NM_032957.5).
Identifiers: ClinVar variation 749151 (VCV000749151.16), dbSNP rs142965557, ClinGen allele CA9966014.